The following is an entry in ClinVar:

NM_004656.4(BAP1):c.805G>A (p.Glu269Lys)

Gene: BAP1 (BRCA1 associated deubiquitinase 1; minus strand). Cytogenetic location: 3p21.1.
Variant type: single nucleotide variant.
Coding change: c.805G>A on transcript NM_004656.4 (MANE Select); coding-DNA position 805, G replaced by A.
Protein change: p.Glu269Lys; replaces glutamic acid 269 with lysine.
Molecular consequence: missense variant.
Genome position (GRCh38, 1-based): chr3:52,405,891, C>T on the plus strand (G>A on the coding strand, the complement: BAP1 is on the minus strand). VCF-style: chr3-52405891-C-T. GRCh37 (hg19) VCF-style: chr3-52439907-C-T.
Other names: c.805G>A (LRG_529t1); short protein forms E269K.
Identifiers: ClinVar variation 489646 (VCV000489646.8), dbSNP rs1553645509, ClinGen allele CA353106917.
Genomic context (GRCh38, chr3:52,405,891, plus strand): 5'-TGGCTGACTTGGACTCCTCAGGCAGCTGTGACTCTTGAGACTTGTGGGTCTGAATCAGCT[C>T]TGGCTGTGTTACTCTTATCAGCTAACAACAGAATCCAGGGCTCAGAGGAGAAAGGGTAGA-3'
Protein context (NP_004647.1, residues 259-279): LQQLIRVTQP[Glu269Lys]LIQTHKSQES

ClinVar aggregate classification (germline): Uncertain significance. Review status: criteria provided, multiple submitters, no conflicts (2 of 4 stars). 2 submissions from 2 submitters: Uncertain significance (2). Last evaluated 2024-07-23.

Conditions:
BAP1-related tumor predisposition syndrome (TPDS1). Also called: Tumor susceptibility linked to germline BAP1 mutations; BAP1 tumor predisposition syndrome; COMMON Syndrome; TUMOR PREDISPOSITION SYNDROME 1. Identifiers: Orphanet 289539, MedGen C3280492, MONDO:0013692, OMIM 614327.
Hereditary cancer-predisposing syndrome. Also called: Hereditary Cancer Syndrome; Neoplastic Syndromes, Hereditary; Tumor predisposition; Hereditary neoplastic syndrome. Identifiers: Orphanet 140162, MedGen C0027672, MeSH D009386, MONDO:0015356.

Submissions (2):

Labcorp Genetics (formerly Invitae), Labcorp
Classification: Uncertain significance for BAP1-related tumor predisposition syndrome. Last evaluated: 2024-07-23. Review status: criteria provided, single submitter. Criteria: Invitae Variant Classification Sherloc (09022015). Collection method: clinical testing. Allele origin: germline.
Comment: This sequence change replaces glutamic acid, which is acidic and polar, with lysine, which is basic and polar, at codon 269 of the BAP1 protein (p.Glu269Lys). This variant is not present in population databases (gnomAD no frequency). This variant has not been reported in the literature in individuals affected with BAP1-related conditions. ClinVar contains an entry for this variant (Variation ID: 489646). Advanced modeling of protein sequence and biophysical properties (such as structural, functional, and spatial information, amino acid conservation, physicochemical variation, residue mobility, and thermodynamic stability) performed at Invitae indicates that this missense variant is not expected to disrupt BAP1 protein function with a negative predictive value of 80%. In summary, the available evidence is currently insufficient to determine the role of this variant in disease. Therefore, it has been classified as a Variant of Uncertain Significance.

Color Diagnostics, LLC DBA Color Health
Classification: Uncertain significance for Hereditary cancer-predisposing syndrome. Last evaluated: 2023-12-05. Review status: criteria provided, single submitter. Criteria: ACMG Guidelines, 2015. Collection method: clinical testing. Allele origin: germline.
Comment: This missense variant replaces glutamic acid with lysine at codon 269 of the BAP1 protein. Computational prediction suggests that this variant may not impact protein structure and function (internally defined REVEL score threshold <= 0.5, PMID: 27666373). To our knowledge, functional studies have not been reported for this variant. This variant has not been reported in individuals affected with BAP1-related disorders in the literature. This variant has not been identified in the general population by the Genome Aggregation Database (gnomAD). The available evidence is insufficient to determine the role of this variant in disease conclusively. Therefore, this variant is classified as a Variant of Uncertain Significance.